The following is an entry in ClinVar:

NM_001171.6(ABCC6):c.2063G>A (p.Ser688Asn)

Gene: ABCC6 (ATP binding cassette subfamily C member 6; minus strand). Cytogenetic location: 16p13.11.
Variant type: single nucleotide variant.
Coding change: c.2063G>A on transcript NM_001171.6 (MANE Select); coding-DNA position 2063, G replaced by A.
Protein change: p.Ser688Asn; replaces serine 688 with asparagine.
Molecular consequence: missense variant. On other transcripts: non-coding transcript variant (1).
Genome position (GRCh38, 1-based): chr16:16,182,811, C>T on the plus strand (G>A on the coding strand, the complement: ABCC6 is on the minus strand). VCF-style: chr16-16182811-C-T. GRCh37 (hg19) VCF-style: chr16-16276668-C-T.
Other names: c.1721G>A, p.Ser574Asn (NM_001351800.1); c.2063G>A (NM_001171.5); short protein forms S688N, S574N.
Identifiers: ClinVar variation 2077783 (VCV002077783.3), dbSNP rs774574107, ClinGen allele CA7926041.

ClinVar aggregate classification (germline): Uncertain significance. Review status: criteria provided, multiple submitters, no conflicts (2 of 4 stars). 2 submissions from 2 submitters: Uncertain significance (2). Last evaluated 2023-07-12.

Conditions:
Inborn genetic diseases. Identifiers: MedGen C0950123, MeSH D030342.

Allele frequency attached by ClinVar (database versions not stated): gnomAD exomes below 0.00001; ExAC 0.00001.
gnomAD v4.1: 5 of 1,614,010 alleles (0.00031%); highest among the groups gnomAD compares: Admixed American, 0.0033%; no homozygotes.

Submissions (2):

Ambry Genetics
Classification: Uncertain significance for Inborn genetic diseases. Last evaluated: 2023-07-12. Review status: criteria provided, single submitter. Criteria: Ambry Variant Classification Scheme 2023. Collection method: clinical testing. Allele origin: germline.

Labcorp Genetics (formerly Invitae), Labcorp
Classification: Uncertain significance. Last evaluated: 2022-06-07. Review status: criteria provided, single submitter. Criteria: Invitae Variant Classification Sherloc (09022015). Collection method: clinical testing. Allele origin: germline.
Comment: This sequence change replaces serine, which is neutral and polar, with asparagine, which is neutral and polar, at codon 688 of the ABCC6 protein (p.Ser688Asn). This variant is present in population databases (rs774574107, gnomAD 0.003%). This variant has not been reported in the literature in individuals affected with ABCC6-related conditions. Advanced modeling of protein sequence and biophysical properties (such as structural, functional, and spatial information, amino acid conservation, physicochemical variation, residue mobility, and thermodynamic stability) performed at Invitae indicates that this missense variant is not expected to disrupt ABCC6 protein function. In summary, the available evidence is currently insufficient to determine the role of this variant in disease. Therefore, it has been classified as a Variant of Uncertain Significance.